The following is an entry in ClinVar:

ClinVar aggregate classification (germline): Uncertain significance (1 of 4 stars; one submission).

Conditions:
Predisposition to Wilms tumor.

gnomAD v4.1: 33 of 1,614,080 alleles (0.002%); highest among the groups gnomAD compares: Non-Finnish European, 0.0028%; no homozygotes.

Submission:

St. Jude Molecular Pathology, St. Jude Children's Research Hospital
Classification: Uncertain significance for Predisposition to Wilms tumor. Last evaluated: 2026-02-11. Review status: criteria provided, single submitter. Criteria: St. Jude Assertion Criteria 2020. Collection method: clinical testing. Allele origin: germline.
Comment: The TRIM28 c.2179T>C p.(Ser727Pro) missense change has a maximum subpopulation frequency of 0.0018% in gnomAD v2.1.1. The in silico tool REVEL predicts a benign effect on protein function, but to our knowledge this prediction has not been confirmed by functional studies. To our knowledge, this variant has not been reported in individuals with Wilms tumor. In summary, the evidence currently available is insufficient to determine the clinical significance of this variant. It has therefore been classified as of uncertain significance.

NM_005762.3(TRIM28):c.2179T>C (p.Ser727Pro)

Gene: TRIM28 (tripartite motif containing 28; plus strand). Cytogenetic location: 19q13.43.
Variant type: single nucleotide variant.
Coding change: c.2179T>C on transcript NM_005762.3 (MANE Select); coding-DNA position 2179, T replaced by C.
Protein change: p.Ser727Pro; replaces serine 727 with proline.
Molecular consequence: missense variant.
Genome position (GRCh38, 1-based): chr19:58,550,021, T>C. VCF-style: chr19-58550021-T-C. GRCh37 (hg19) VCF-style: chr19-59061388-T-C.
Other names: short protein forms S727P.
Identifiers: ClinVar variation 4813150 (VCV004813150.1).